The following is an entry in ClinVar:

NM_001128840.3(CACNA1D):c.1060A>T (p.Met354Leu)

Gene: CACNA1D (calcium voltage-gated channel subunit alpha1 D; plus strand). Cytogenetic location: 3p21.1.
Variant type: single nucleotide variant.
Coding change: c.1060A>T on transcript NM_001128840.3 (MANE Select); coding-DNA position 1060, A replaced by T.
Protein change: p.Met354Leu; replaces methionine 354 with leucine.
Molecular consequence: missense variant.
Genome position (GRCh38, 1-based): chr3:53,666,479, A>T. VCF-style: chr3-53666479-A-T. GRCh37 (hg19) VCF-style: chr3-53700506-A-T.
Other names: c.1060A>T, p.Met354Leu (NM_000720.4, NM_001128839.3); short protein forms M354L.
Identifiers: ClinVar variation 2851711 (VCV002851711.3), dbSNP rs753465412, ClinGen allele CA353383598.

ClinVar aggregate classification (germline): Uncertain significance (1 of 4 stars; one submission).

Submission:

Labcorp Genetics (formerly Invitae), Labcorp
Classification: Uncertain significance. Last evaluated: 2023-04-03. Review status: criteria provided, single submitter. Criteria: Invitae Variant Classification Sherloc (09022015). Collection method: clinical testing. Allele origin: germline.
Comment: This sequence change replaces methionine, which is neutral and non-polar, with leucine, which is neutral and non-polar, at codon 354 of the CACNA1D protein (p.Met354Leu). This variant is not present in population databases (gnomAD no frequency). In summary, the available evidence is currently insufficient to determine the role of this variant in disease. Therefore, it has been classified as a Variant of Uncertain Significance. Algorithms developed to predict the effect of sequence changes on RNA splicing suggest that this variant may create or strengthen a splice site. Advanced modeling of protein sequence and biophysical properties (such as structural, functional, and spatial information, amino acid conservation, physicochemical variation, residue mobility, and thermodynamic stability) performed at Invitae indicates that this missense variant is not expected to disrupt CACNA1D protein function. This variant has not been reported in the literature in individuals affected with CACNA1D-related conditions.